The following is an entry in ClinVar:

ClinVar aggregate classification (germline): Uncertain significance (1 of 4 stars; one submission).

Allele frequency attached by ClinVar (database versions not stated): ExAC 0.00002.
gnomAD v4.1: 9 of 1,613,796 alleles (0.00056%); highest among the groups gnomAD compares: South Asian, 0.0088%; no homozygotes.

Submission:

Labcorp Genetics (formerly Invitae), Labcorp
Classification: Uncertain significance. Last evaluated: 2023-06-18. Review status: criteria provided, single submitter. Criteria: Invitae Variant Classification Sherloc (09022015). Collection method: clinical testing. Allele origin: germline.
Comment: In summary, the available evidence is currently insufficient to determine the role of this variant in disease. Therefore, it has been classified as a Variant of Uncertain Significance. An algorithm developed to predict the effect of missense changes on protein structure and function (PolyPhen-2) suggests that this variant is likely to be disruptive. This variant has not been reported in the literature in individuals affected with PCLO-related conditions. This variant is present in population databases (rs756425116, gnomAD 0.006%). This sequence change replaces threonine, which is neutral and polar, with isoleucine, which is neutral and non-polar, at codon 400 of the PCLO protein (p.Thr400Ile).

NM_033026.6(PCLO):c.1199C>T (p.Thr400Ile)

Gene: PCLO (piccolo presynaptic cytomatrix protein; minus strand). Cytogenetic location: 7q21.11.
Variant type: single nucleotide variant.
Coding change: c.1199C>T on transcript NM_033026.6 (MANE Select); coding-DNA position 1199, C replaced by T.
Protein change: p.Thr400Ile; replaces threonine 400 with isoleucine.
Molecular consequence: missense variant.
Genome position (GRCh38, 1-based): chr7:83,155,442, G>A on the plus strand (C>T on the coding strand, the complement: PCLO is on the minus strand). VCF-style: chr7-83155442-G-A. GRCh37 (hg19) VCF-style: chr7-82784758-G-A.
Other names: c.1199C>T, p.Thr400Ile (NM_014510.3); short protein forms T400I.
Identifiers: ClinVar variation 2786557 (VCV002786557.3), dbSNP rs756425116, ClinGen allele CA4321498.